The following is an entry in ClinVar:

NM_000297.4(PKD2):c.1488del (p.Ile497fs)

Gene: PKD2 (polycystin 2, transient receptor potential cation channel; plus strand). Cytogenetic location: 4q22.1.
Variant type: Deletion.
Coding change: c.1488del on transcript NM_000297.4 (MANE Select); coding-DNA position 1488, one base deleted (C; older notation c.1488delC).
Protein change: p.Ile497fs; shifts the reading frame from isoleucine 497.
Molecular consequence: frameshift variant. On other transcripts: non-coding transcript variant (1).
Genome position (GRCh38, 1-based): chr4:88,046,810, C deleted. VCF-style (leftmost placement, unchanged base first): chr4-88046809-GC-G. GRCh37 (hg19) VCF-style: chr4-88967961-GC-G.
Other names: c.1263del, p.Ile422fs (NM_001440544.1); short protein forms I422fs, I497fs.
Identifiers: ClinVar variation 5018833 (VCV005018833.1).

ClinVar aggregate classification (germline): Pathogenic (1 of 4 stars; one submission).

Conditions:
Polycystic kidney disease 2 (PKD2). Also called: POLYCYSTIC KIDNEY DISEASE, ADULT, TYPE II; Polycystic Kidney Disease 2, Autosomal Dominant; POLYCYSTIC KIDNEY DISEASE 2 WITH OR WITHOUT POLYCYSTIC LIVER DISEASE. Identifiers: MedGen C2751306, MONDO:0013131, OMIM 613095.

Submission:

Juno Genomics, Hangzhou Juno Genomics, Inc
Classification: Pathogenic for Polycystic kidney disease 2. Review status: criteria provided, single submitter. Criteria: ACMG Guidelines, 2015. Collection method: clinical testing. Allele origin: germline. Affected: yes.
Comment: Absent from controls (or at extremely low frequency if recessive) in Genome Aggregation Database.;Null variant in a gene where loss of function (LOF) is a known mechanism of disease.;Patient's phenotype or family history is highly specific for a disease with a single genetic etiology.